The following is an entry in ClinVar:

ClinVar aggregate classification (germline): Benign. Review status: criteria provided, multiple submitters, no conflicts (2 of 4 stars). 3 submissions from 3 submitters: Benign (2). 1 of the submissions does not count toward it. Last evaluated 2026-02-02.

Conditions:
FBN3-related disorder. Also called: FBN3-related condition.

Allele frequency attached by ClinVar (database versions not stated): gnomAD exomes 0.00484; ExAC 0.00585; gnomAD 0.01851 and 0.01985; 1000 Genomes Project 0.01917; ESP Exome Variant Server 0.02091; TOPMed 0.02092; 1000 Genomes Project 30x 0.02139.
gnomAD v4.1: 5,620 of 1,614,074 alleles (0.35%); highest among the groups gnomAD compares: African/African-American, 6.4%; 166 homozygotes.

Submissions (3):

Labcorp Genetics (formerly Invitae), Labcorp
Classification: Benign. Last evaluated: 2026-02-02. Review status: criteria provided, single submitter. Criteria: Invitae Variant Classification Sherloc (09022015). Collection method: clinical testing. Allele origin: germline.

Breakthrough Genomics
Classification: Benign. Review status: criteria provided, single submitter. Criteria: ACMG Guidelines, 2015. Collection method: not provided. Allele origin: germline. Inheritance: Unknown mechanism. Affected: yes.

PreventionGenetics, part of Exact Sciences
Classification: Benign for FBN3-related condition. Last evaluated: 2019-06-14. Review status: no assertion criteria provided. Collection method: clinical testing. Allele origin: germline. Not counted in ClinVar's aggregate classification.
Comment: This variant is classified as benign based on ACMG/AMP sequence variant interpretation guidelines (Richards et al. 2015 PMID: 25741868, with internal and published modifications).

NM_032447.5(FBN3):c.3626A>G (p.Gln1209Arg)

Gene: FBN3 (fibrillin 3; minus strand). Cytogenetic location: 19p13.2.
Variant type: single nucleotide variant.
Coding change: c.3626A>G on transcript NM_032447.5 (MANE Select); coding-DNA position 3626, A replaced by G.
Protein change: p.Gln1209Arg; replaces glutamine 1209 with arginine.
Molecular consequence: missense variant.
Genome position (GRCh38, 1-based): chr19:8,116,760, T>C on the plus strand (A>G on the coding strand, the complement: FBN3 is on the minus strand). VCF-style: chr19-8116760-T-C. GRCh37 (hg19) VCF-style: chr19-8181644-T-C.
Other names: c.3626A>G (NM_001321431.1); c.3626A>G, p.Gln1209Arg (NM_001321431.2); short protein forms Q1209R.
Identifiers: ClinVar variation 788015 (VCV000788015.13), dbSNP rs34684510, ClinGen allele CA9152379.